The following is an entry in ClinVar:

ClinVar aggregate classification (germline): Uncertain significance (1 of 4 stars; one submission).

Conditions:
Hereditary cancer-predisposing syndrome. Also called: Tumor predisposition; Hereditary Cancer Syndrome; Neoplastic Syndromes, Hereditary; Hereditary neoplastic syndrome. Identifiers: Orphanet 140162, MedGen C0027672, MeSH D009386, MONDO:0015356.

Submission:

Color Diagnostics, LLC DBA Color Health
Classification: Uncertain significance for Hereditary cancer-predisposing syndrome. Last evaluated: 2025-08-24. Review status: criteria provided, single submitter. Criteria: ACMG Guidelines, 2015. Collection method: clinical testing. Allele origin: germline.
Comment: This missense variant replaces phenylalanine with serine at codon 751 of the PMS2 protein. Computational prediction suggests that this variant may have deleterious impact on protein structure and function. To our knowledge, functional studies have not been reported for this variant. This variant has not been reported in individuals affected with PMS2-related disorders in the literature. This variant has not been identified in the general population by the Genome Aggregation Database (gnomAD). The available evidence is insufficient to determine the role of this variant in disease conclusively. Therefore, this variant is classified as a Variant of Uncertain Significance.

NM_000535.7(PMS2):c.2252T>C (p.Phe751Ser)

Gene: PMS2 (PMS1 homolog 2, mismatch repair system component; minus strand). Cytogenetic location: 7p22.1.
Variant type: single nucleotide variant.
Coding change: c.2252T>C on transcript NM_000535.7 (MANE Select); coding-DNA position 2252, T replaced by C.
Protein change: p.Phe751Ser; replaces phenylalanine 751 with serine.
Molecular consequence: missense variant. On other transcripts: non-coding transcript variant (1), intron variant (2).
Genome position (GRCh38, 1-based): chr7:5,978,619, A>G on the plus strand (T>C on the coding strand, the complement: PMS2 is on the minus strand). VCF-style: chr7-5978619-A-G. GRCh37 (hg19) VCF-style: chr7-6018250-A-G.
Other names: c.1847T>C, p.Phe616Ser (NM_001406891.1, NM_001406892.1, NM_001406893.1 and 14 more transcripts); c.1787T>C, p.Phe596Ser (NM_001406900.1); c.1778T>C, p.Phe593Ser (NM_001406901.1, NM_001406902.1); c.1766T>C, p.Phe589Ser (NM_001406903.1); c.1739T>C, p.Phe580Ser (NM_001406904.1, NM_001406905.1); c.1691T>C, p.Phe564Ser (NM_001406906.1, NM_001406907.1, NM_001322010.2); c.1679T>C, p.Phe560Ser (NM_001406908.1, NM_001406909.1, NM_001322013.2); c.1481T>C, p.Phe494Ser (NM_001406911.1); and 16 more; short protein forms F350S, F440S, F494S, F560S, F564S, F580S, F589S, F593S.
Identifiers: ClinVar variation 4756213 (VCV004756213.1).